The following is an entry in ClinVar:

ClinVar aggregate classification (germline): Pathogenic/Likely pathogenic. Review status: criteria provided, multiple submitters, no conflicts (2 of 4 stars). 3 submissions from 3 submitters: Pathogenic (1); Likely pathogenic (1). 1 of the submissions does not count toward it. Last evaluated 2024-05-23.

Conditions:
Wilson disease (WND). Also called: Wilson's disease. Identifiers: Orphanet 905, MedGen C0019202, MONDO:0010200, OMIM 277900. Disease mechanism: loss of function.

Submissions (3):

Natera, Inc.
Classification: Likely pathogenic for Wilson disease. Last evaluated: 2024-05-23. Review status: criteria provided, single submitter. Criteria: Natera Variant Classification Schema (03/2026). Collection method: clinical testing. Allele origin: germline.
Comment: The c.1639C>T variant in ATP7B is a nonsense variant predicted to introduce a stop codon at amino acid 547. This variant is expected to result in nonsense mediated decay, truncation, or a dysfunctional protein product. This variant is rare in the general population with a frequency below the threshold expected for the associated phenotype(s). Given the available evidence, this variant is classified as Likely Pathogenic.

Labcorp Genetics (formerly Invitae), Labcorp
Classification: Pathogenic for Wilson disease. Last evaluated: 2023-04-22. Review status: criteria provided, single submitter. Criteria: Invitae Variant Classification Sherloc (09022015). Collection method: clinical testing. Allele origin: germline.
Comment: For these reasons, this variant has been classified as Pathogenic. ClinVar contains an entry for this variant (Variation ID: 550754). This premature translational stop signal has been observed in individual(s) with Wilson disease (PMID: 27022412). This variant is not present in population databases (gnomAD no frequency). This sequence change creates a premature translational stop signal (p.Gln547*) in the ATP7B gene. It is expected to result in an absent or disrupted protein product. Loss-of-function variants in ATP7B are known to be pathogenic (PMID: 10441329, 16283883).

Counsyl
Classification: Likely pathogenic for Wilson disease. Last evaluated: 2017-02-10. Review status: no assertion criteria provided. Collection method: clinical testing. Allele origin: unknown. Not counted in ClinVar's aggregate classification.

Literature cited by the submitters: PubMed 27022412 (cited by Labcorp Genetics (formerly Invitae), Labcorp and Counsyl); PubMed 10441329 (cited by Labcorp Genetics (formerly Invitae), Labcorp); PubMed 16283883 (cited by Labcorp Genetics (formerly Invitae), Labcorp); PubMed 23607698 (cited by Counsyl).

NM_000053.4(ATP7B):c.1639C>T (p.Gln547Ter)

Gene: ATP7B (ATPase copper transporting beta; minus strand). Cytogenetic location: 13q14.3.
Variant type: single nucleotide variant.
Coding change: c.1639C>T on transcript NM_000053.4 (MANE Select); coding-DNA position 1639, C replaced by T.
Protein change: p.Gln547Ter; replaces glutamine 547 with a stop codon.
Molecular consequence: nonsense.
Genome position (GRCh38, 1-based): chr13:51,968,512, G>A on the plus strand (C>T on the coding strand, the complement: ATP7B is on the minus strand). VCF-style: chr13-51968512-G-A. GRCh37 (hg19) VCF-style: chr13-52542648-G-A.
Other names: c.1639C>T, p.Gln547Ter (NM_001330578.2, NM_001330579.2, NM_001005918.3); c.1306C>T, p.Gln436Ter (NM_001243182.2); short protein forms Q547*, Q436*.
Identifiers: ClinVar variation 550754 (VCV000550754.10), dbSNP rs996419100, ClinGen allele CA388032906.